The following is an entry in ClinVar:

ClinVar aggregate classification (germline): Uncertain significance (1 of 4 stars; one submission).

Conditions:
Chédiak-Higashi syndrome (CHS). Also called: Chediak-Higashi Syndrome. Identifiers: Orphanet 167, MedGen C0007965, MONDO:0008963, OMIM 214500.

Allele frequency attached by ClinVar (database versions not stated): gnomAD exomes below 0.00001.
gnomAD v4.1: 1 of 1,613,998 alleles (0.000062%); highest among the groups gnomAD compares: Non-Finnish European, 0.000085%; no homozygotes.

Submission:

Labcorp Genetics (formerly Invitae), Labcorp
Classification: Uncertain significance for Chédiak-Higashi syndrome. Last evaluated: 2022-02-08. Review status: criteria provided, single submitter. Criteria: Invitae Variant Classification Sherloc (09022015). Collection method: clinical testing. Allele origin: germline.
Comment: This sequence change replaces alanine, which is neutral and non-polar, with valine, which is neutral and non-polar, at codon 961 of the LYST protein (p.Ala961Val). This variant is not present in population databases (gnomAD no frequency). This variant has not been reported in the literature in individuals affected with LYST-related conditions. Algorithms developed to predict the effect of missense changes on protein structure and function are either unavailable or do not agree on the potential impact of this missense change (SIFT: "Tolerated"; PolyPhen-2: "Probably Damaging"; Align-GVGD: "Class C0"). In summary, the available evidence is currently insufficient to determine the role of this variant in disease. Therefore, it has been classified as a Variant of Uncertain Significance.

NM_000081.4(LYST):c.2882C>T (p.Ala961Val)

Gene: LYST (lysosomal trafficking regulator; minus strand). Cytogenetic location: 1q42.3.
Variant type: single nucleotide variant.
Coding change: c.2882C>T on transcript NM_000081.4 (MANE Select); coding-DNA position 2882, C replaced by T.
Protein change: p.Ala961Val; replaces alanine 961 with valine.
Molecular consequence: missense variant.
Genome position (GRCh38, 1-based): chr1:235,806,254, G>A on the plus strand (C>T on the coding strand, the complement: LYST is on the minus strand). VCF-style: chr1-235806254-G-A. GRCh37 (hg19) VCF-style: chr1-235969554-G-A.
Other names: c.2882C>T, p.Ala961Val (NM_001301365.1); short protein forms A961V.
Identifiers: ClinVar variation 2094935 (VCV002094935.1), dbSNP rs2527077669, ClinGen allele CA344954841.